The following is an entry in ClinVar:

ClinVar aggregate classification (germline): Likely pathogenic (1 of 4 stars; one submission).

Conditions:
Neurofibromatosis-Noonan syndrome (NFNS). Also called: NEUROFIBROMATOSIS WITH NOONAN PHENOTYPE. Identifiers: Orphanet 638, MedGen C2931482, MONDO:0011035, OMIM 601321. Disease mechanism: loss of function.

Submission:

3billion
Classification: Likely pathogenic for Neurofibromatosis-Noonan syndrome. Last evaluated: 2022-09-01. Review status: criteria provided, single submitter. Criteria: ACMG Guidelines, 2015. Collection method: clinical testing. Allele origin: germline. Affected: yes. Observed: 1 heterozygote.
Comment: The variant is not observed in the gnomAD v2.1.1 dataset. Frameshift variant is predicted to result in a loss or disruption of normal protein function through nonsense-mediated decay (NMD) or protein truncation. Multiple pathogenic variants are reported downstream of the variant. Therefore, this variant is classified as Likely pathogenic according to the recommendation of ACMG/AMP guideline.

NM_001042492.3(NF1):c.3260dup (p.Pro1087_Glu1088insTer)

Gene: NF1 (neurofibromin 1; plus strand). Cytogenetic location: 17q11.2.
Variant type: Duplication.
Coding change: c.3260dup on transcript NM_001042492.3 (MANE Select); coding-DNA position 3260, one base duplicated (C; older notation c.3260dupC).
Protein change: p.Pro1087_Glu1088insTer.
Molecular consequence: frameshift variant. On other transcripts: nonsense (1).
Genome position (GRCh38, 1-based): chr17:31,232,135, C duplicated; the last of 2 consecutive C bases (chr17:31,232,134-31,232,135); duplicating either gives the same sequence. VCF-style (leftmost placement, unchanged base first): chr17-31232133-G-GC. GRCh37 (hg19) VCF-style: chr17-29559151-G-GC.
Other names: c.3260dup, p.Glu1088Terfs (NM_000267.4).
Identifiers: ClinVar variation 1705388 (VCV001705388.1), dbSNP rs2508224359, ClinGen allele CA2580092968.
Genomic context (GRCh38, chr17:31,232,133, plus strand): 5'-AGATTTGGACCAGGCAAGCATGGAAGCAGTAGTTTCACTTCTAGCTGGTCTCCCTCTGCA[G>GC]CCTGAAGAAGGAGATGGTGTGGAATTGATGGAAGCCAAATCACAGTTATTTCTTAAGTAA-3'